The following is an entry in ClinVar:

NM_024675.4(PALB2):c.631G>C (p.Glu211Gln)

Gene: PALB2 (partner and localizer of BRCA2; minus strand). Cytogenetic location: 16p12.2.
Variant type: single nucleotide variant.
Coding change: c.631G>C on transcript NM_024675.4 (MANE Select); coding-DNA position 631, G replaced by C.
Protein change: p.Glu211Gln; replaces glutamic acid 211 with glutamine.
Molecular consequence: missense variant.
Genome position (GRCh38, 1-based): chr16:23,635,915, C>G on the plus strand (G>C on the coding strand, the complement: PALB2 is on the minus strand). VCF-style: chr16-23635915-C-G. GRCh37 (hg19) VCF-style: chr16-23647236-C-G.
Other names: c.571G>C, p.Glu191Gln (NM_001407296.1); c.631G>C, p.Glu211Gln (NM_001407297.1, NM_001407298.1, NM_001407299.1 and 3 more transcripts); c.-255G>C (NM_001407304.1, NM_001407305.1, NM_001407306.1 and 5 more transcripts); short protein forms E191Q, E211Q.
Identifiers: ClinVar variation 1722457 (VCV001722457.6), dbSNP rs2142438741, ClinGen allele CA395136583.

ClinVar aggregate classification (germline): Uncertain significance. Review status: criteria provided, multiple submitters, no conflicts (2 of 4 stars). 2 submissions from 2 submitters: Uncertain significance (2). Last evaluated 2025-11-25.

Conditions:
Familial cancer of breast. Also called: hereditary breast carcinoma; BREAST CANCER, FAMILIAL; Hereditary breast cancer. Identifiers: Orphanet 227535, MedGen C0346153, MONDO:0016419, OMIM 114480. Disease mechanism: loss of function.

Submissions (2):

Labcorp Genetics (formerly Invitae), Labcorp
Classification: Uncertain significance for Familial cancer of breast. Last evaluated: 2025-11-25. Review status: criteria provided, single submitter. Criteria: Invitae Variant Classification Sherloc (09022015). Collection method: clinical testing. Allele origin: germline.
Comment: This sequence change replaces glutamic acid, which is acidic and polar, with glutamine, which is neutral and polar, at codon 211 of the PALB2 protein (p.Glu211Gln). This variant is not present in population databases (gnomAD no frequency). This variant has not been reported in the literature in individuals affected with PALB2-related conditions. ClinVar contains an entry for this variant (Variation ID: 1722457). An algorithm developed to predict the effect of missense changes on protein structure and function (PolyPhen-2) suggests that this variant is likely to be tolerated. In summary, the available evidence is currently insufficient to determine the role of this variant in disease. Therefore, it has been classified as a Variant of Uncertain Significance.

Women's Health and Genetics/Laboratory Corporation of America, LabCorp
Classification: Uncertain significance. Last evaluated: 2022-09-19. Review status: criteria provided, single submitter. Criteria: LabCorp Variant Classification Summary - May 2015. Collection method: clinical testing. Allele origin: germline.